The following is an entry in ClinVar:

ClinVar aggregate classification (germline): Uncertain significance (1 of 4 stars; one submission).

Allele frequency attached by ClinVar (database versions not stated): gnomAD exomes below 0.00001; TOPMed 0.00001; gnomAD 0.00001.

Submission:

GeneDx
Classification: Uncertain significance. Last evaluated: 2020-02-20. Review status: criteria provided, single submitter. Criteria: GeneDx Variant Classification Process June 2021. Collection method: clinical testing. Allele origin: germline. Affected: yes.
Comment: Has not been previously published as pathogenic or benign to our knowledge; Not observed at a significant frequency in large population cohorts (Lek 2016); In silico analysis supports that this missense variant does not alter protein structure/function

NM_005236.3(ERCC4):c.2323T>G (p.Leu775Val)

Gene: ERCC4 (ERCC excision repair 4, endonuclease catalytic subunit; plus strand). Cytogenetic location: 16p13.12.
Variant type: single nucleotide variant.
Coding change: c.2323T>G on transcript NM_005236.3 (MANE Select); coding-DNA position 2323, T replaced by G.
Protein change: p.Leu775Val; replaces leucine 775 with valine.
Molecular consequence: missense variant.
Genome position (GRCh38, 1-based): chr16:13,947,919, T>G. VCF-style: chr16-13947919-T-G. GRCh37 (hg19) VCF-style: chr16-14041776-T-G.
Other names: short protein forms L775V.
Identifiers: ClinVar variation 1318493 (VCV001318493.2), dbSNP rs1465340264, ClinGen allele CA394823021.